The following is an entry in ClinVar:

NM_130837.3(OPA1):c.737C>G (p.Ala246Gly)

Genes: OPA1 (OPA1 mitochondrial dynamin like GTPase; plus strand), OPA1-AS1 (OPA1 antisense RNA 1; minus strand). Cytogenetic location: 3q29.
Variant type: single nucleotide variant.
Coding change: c.737C>G on transcript NM_130837.3 (MANE Select); coding-DNA position 737, C replaced by G.
Protein change: p.Ala246Gly; replaces alanine 246 with glycine.
Molecular consequence: missense variant. On other transcripts: intron variant (5).
Genome position (GRCh38, 1-based): chr3:193,626,150, C>G. VCF-style: chr3-193626150-C-G. GRCh37 (hg19) VCF-style: chr3-193343939-C-G.
Other names: c.575C>G, p.Ala192Gly (NM_130833.3); c.629C>G, p.Ala210Gly (NM_130835.3); c.683C>G, p.Ala228Gly (NM_130836.3); c.253-5462C>G (NM_001354664.2); c.679-5462C>G (NM_130834.3); c.625-5462C>G (NM_015560.3); c.571-5462C>G (NM_130832.3); c.517-5462C>G (NM_130831.3); and 1 more; short protein forms A246G, A68G, A192G, A210G, A228G.
Identifiers: ClinVar variation 3635809 (VCV003635809.2).

ClinVar aggregate classification (germline): Uncertain significance (1 of 4 stars; one submission).

Submission:

Labcorp Genetics (formerly Invitae), Labcorp
Classification: Uncertain significance. Last evaluated: 2025-05-12. Review status: criteria provided, single submitter. Criteria: Invitae Variant Classification Sherloc (09022015). Collection method: clinical testing. Allele origin: germline.
Comment: The OPA1 gene has multiple clinically relevant transcripts. This variant occurs in alternate transcript NM_130837.2, and corresponds to NM_015560.2:c.625-5462C>G (Intronic) in the primary transcript. This sequence change replaces alanine, which is neutral and non-polar, with glycine, which is neutral and non-polar, at codon 246 of the OPA1 protein (p.Ala246Gly). This variant is not present in population databases (gnomAD no frequency). This variant has not been reported in the literature in individuals affected with OPA1-related conditions. ClinVar contains an entry for this variant (Variation ID: 3635809). Experimental studies and prediction algorithms are not available or were not evaluated, and the functional significance of this variant is currently unknown. Algorithms developed to predict the effect of sequence changes on RNA splicing suggest that this variant is not likely to affect RNA splicing. In summary, the available evidence is currently insufficient to determine the role of this variant in disease. Therefore, it has been classified as a Variant of Uncertain Significance.